The following is an entry in ClinVar:

NM_201548.5(CERKL):c.906G>A (p.Gln302=)

Gene: CERKL (CERK like autophagy regulator; minus strand). Cytogenetic location: 2q31.3.
Variant type: single nucleotide variant.
Coding change: c.906G>A on transcript NM_201548.5 (MANE Select); coding-DNA position 906, G replaced by A.
Protein change: p.Gln302=; no amino-acid change (glutamine 302 retained).
Molecular consequence: synonymous variant. On other transcripts: non-coding transcript variant (2).
Genome position (GRCh38, 1-based): chr2:181,548,847, C>T on the plus strand (G>A on the coding strand, the complement: CERKL is on the minus strand). VCF-style: chr2-181548847-C-T. GRCh37 (hg19) VCF-style: chr2-182413574-C-T.
Other names: c.984G>A, p.Gln328= (NM_001030311.3); c.567G>A, p.Gln189= (NM_001030312.3); c.699G>A, p.Gln233= (NM_001030313.3); c.*188G>A (NM_001030314.1, NM_001030315.1); c.852G>A, p.Gln284= (NM_001160277.2).
Identifiers: ClinVar variation 2651734 (VCV002651734.24), dbSNP rs777974407, ClinGen allele CA430504760.

ClinVar aggregate classification (germline): Likely benign (1 of 4 stars; one submission).

gnomAD v4.1: 1 of 1,613,794 alleles (0.000062%); highest among the groups gnomAD compares: Non-Finnish European, 0.000085%; no homozygotes.

Submission:

CeGaT Center for Human Genetics Tuebingen
Classification: Likely benign. Last evaluated: 2022-08-01. Review status: criteria provided, single submitter. Criteria: CeGaT Center For Human Genetics Tuebingen Variant Classification Criteria Version 2. Collection method: clinical testing. Allele origin: germline. Affected: yes. Observed: 1 variant allele.
Comment: CERKL: PM2:Supporting, BP4, BP7